The following is an entry in ClinVar:

ClinVar aggregate classification (germline): Uncertain significance (1 of 4 stars; one submission).

Conditions:
Muscular dystrophy-dystroglycanopathy (congenital with brain and eye anomalies), type a, 8 (MDDGA8). Also called: WALKER-WARBURG SYNDROME OR MUSCLE-EYE-BRAIN DISEASE, GTDC2-RELATED. Identifiers: Orphanet 899, MedGen C3553813, MONDO:0013904, OMIM 614830.

Allele frequency attached by ClinVar (database versions not stated): gnomAD 0.00001 and 0.00004; TOPMed 0.00002; ExAC 0.00006; gnomAD exomes 0.00009; 1000 Genomes Project 30x 0.00062; 1000 Genomes Project 0.00080.
gnomAD v4.1: 60 of 1,614,072 alleles (0.0037%); highest among the groups gnomAD compares: East Asian, 0.094%; no homozygotes.

Submission:

Labcorp Genetics (formerly Invitae), Labcorp
Classification: Uncertain significance for Muscular dystrophy-dystroglycanopathy (congenital with brain and eye anomalies), type a, 8. Last evaluated: 2022-07-26. Review status: criteria provided, single submitter. Criteria: Invitae Variant Classification Sherloc (09022015). Collection method: clinical testing. Allele origin: germline.
Comment: This sequence change replaces arginine, which is basic and polar, with glutamine, which is neutral and polar, at codon 190 of the POMGNT2 protein (p.Arg190Gln). This variant is present in population databases (rs200080447, gnomAD 0.06%). This variant has not been reported in the literature in individuals affected with POMGNT2-related conditions. ClinVar contains an entry for this variant (Variation ID: 540490). Algorithms developed to predict the effect of missense changes on protein structure and function (SIFT, PolyPhen-2, Align-GVGD) all suggest that this variant is likely to be disruptive. In summary, the available evidence is currently insufficient to determine the role of this variant in disease. Therefore, it has been classified as a Variant of Uncertain Significance.

NM_032806.6(POMGNT2):c.569G>A (p.Arg190Gln)

Gene: POMGNT2 (protein O-linked mannose N-acetylglucosaminyltransferase 2 (beta 1,4-); minus strand). Cytogenetic location: 3p22.1.
Variant type: single nucleotide variant.
Coding change: c.569G>A on transcript NM_032806.6 (MANE Select); coding-DNA position 569, G replaced by A.
Protein change: p.Arg190Gln; replaces arginine 190 with glutamine.
Molecular consequence: missense variant.
Genome position (GRCh38, 1-based): chr3:43,080,863, C>T on the plus strand (G>A on the coding strand, the complement: POMGNT2 is on the minus strand). VCF-style: chr3-43080863-C-T. GRCh37 (hg19) VCF-style: chr3-43122355-C-T.
Other names: short protein forms R190Q.
Identifiers: ClinVar variation 540490 (VCV000540490.3), dbSNP rs200080447, ClinGen allele CA2340038.